The following is an entry in ClinVar:

NM_000352.6(ABCC8):c.4720G>A (p.Ala1574Thr)

Gene: ABCC8 (ATP binding cassette subfamily C member 8; minus strand). Cytogenetic location: 11p15.1.
Variant type: single nucleotide variant.
Coding change: c.4720G>A on transcript NM_000352.6 (MANE Select); coding-DNA position 4720, G replaced by A.
Protein change: p.Ala1574Thr; replaces alanine 1574 with threonine.
Molecular consequence: missense variant. On other transcripts: non-coding transcript variant (1).
Genome position (GRCh38, 1-based): chr11:17,393,017, C>T on the plus strand (G>A on the coding strand, the complement: ABCC8 is on the minus strand). VCF-style: chr11-17393017-C-T. GRCh37 (hg19) VCF-style: chr11-17414564-C-T.
Other names: c.4723G>A, p.Ala1575Thr (NM_001287174.3); c.4786G>A, p.Ala1596Thr (NM_001351295.2); c.4720G>A, p.Ala1574Thr (NM_001351296.2); c.4717G>A, p.Ala1573Thr (NM_001351297.2); short protein forms A1596T, A1574T, A1575T, A1573T.
Identifiers: ClinVar variation 1443657 (VCV001443657.5), dbSNP rs199736860, ClinGen allele CA5902376.

ClinVar aggregate classification (germline): Uncertain significance (1 of 4 stars; one submission).

Allele frequency attached by ClinVar (database versions not stated): gnomAD exomes 0.00001; ExAC 0.00001; gnomAD 0.00001; TOPMed below 0.00001; 1000 Genomes Project 30x 0.00016; 1000 Genomes Project 0.00020.
gnomAD v4.1: 12 of 1,614,138 alleles (0.00074%); highest among the groups gnomAD compares: South Asian, 0.0011%; no homozygotes.

Submission:

Labcorp Genetics (formerly Invitae), Labcorp
Classification: Uncertain significance. Last evaluated: 2021-09-01. Review status: criteria provided, single submitter. Criteria: Invitae Variant Classification Sherloc (09022015). Collection method: clinical testing. Allele origin: germline.
Comment: This sequence change replaces alanine with threonine at codon 1574 of the ABCC8 protein (p.Ala1574Thr). The alanine residue is highly conserved and there is a small physicochemical difference between alanine and threonine. This variant is present in population databases (rs199736860, ExAC 0.002%). This variant has not been reported in the literature in individuals affected with ABCC8-related conditions. Advanced modeling of protein sequence and biophysical properties (such as structural, functional, and spatial information, amino acid conservation, physicochemical variation, residue mobility, and thermodynamic stability) performed at Invitae indicates that this missense variant is not expected to disrupt ABCC8 protein function. In summary, the available evidence is currently insufficient to determine the role of this variant in disease. Therefore, it has been classified as a Variant of Uncertain Significance.